The following is an entry in ClinVar:

NM_006796.3(AFG3L2):c.1701G>A (p.Glu567=)

Gene: AFG3L2 (AFG3 like matrix AAA peptidase subunit 2; minus strand). Cytogenetic location: 18p11.21.
Variant type: single nucleotide variant.
Coding change: c.1701G>A on transcript NM_006796.3 (MANE Select); coding-DNA position 1701, G replaced by A.
Protein change: p.Glu567=; no amino-acid change (glutamic acid 567 retained).
Molecular consequence: synonymous variant.
Genome position (GRCh38, 1-based): chr18:12,344,210, C>T on the plus strand (G>A on the coding strand, the complement: AFG3L2 is on the minus strand). VCF-style: chr18-12344210-C-T. GRCh37 (hg19) VCF-style: chr18-12344209-C-T.
Identifiers: ClinVar variation 3771382 (VCV003771382.13).
Genomic context (GRCh38, chr18:12,344,210, plus strand): 5'-GTGCTCCAGATACCAGCCGGCAACCGCATGGCCTGCTTCGTGGTATGCCACAGTCTTCTT[C>T]TCCTCAGGCTGCAGAACCTGCGTTTTCTTCTCTAAGCCTAACAAAATAACAACAAAAAAA-3'
Protein context (NP_006787.2, residues 557-577): EKKTQVLQPE[Glu567=]KKTVAYHEAG

ClinVar aggregate classification (germline): Likely benign (1 of 4 stars; one submission).

Submission:

CeGaT Center for Human Genetics Tuebingen
Classification: Likely benign. Last evaluated: 2025-02-01. Review status: criteria provided, single submitter. Criteria: CeGaT Center For Human Genetics Tuebingen Variant Classification Criteria Version 2. Collection method: clinical testing. Allele origin: germline. Affected: yes. Observed: 1 variant allele.
Comment: AFG3L2: BP4, BP7